The following is an entry in ClinVar:

ClinVar aggregate classification (germline): Uncertain significance (1 of 4 stars; one submission).

Conditions:
Christianson syndrome (MRXSCH). Also called: SLC9A6-Related Syndromic Mental Retardation; X-linked mental retardation, syndromic, Christianson type; INTELLECTUAL DEVELOPMENTAL DISORDER, X-LINKED, SYNDROMIC, CHRISTIANSON TYPE. Identifiers: Orphanet 85278, MedGen C2678194, MONDO:0010278, OMIM 300243.

Submission:

Labcorp Genetics (formerly Invitae), Labcorp
Classification: Uncertain significance for Christianson syndrome. Last evaluated: 2022-03-18. Review status: criteria provided, single submitter. Criteria: Invitae Variant Classification Sherloc (09022015). Collection method: clinical testing. Allele origin: germline.
Comment: This sequence change replaces glycine, which is neutral and non-polar, with aspartic acid, which is acidic and polar, at codon 331 of the SLC9A6 protein (p.Gly331Asp). This variant is not present in population databases (gnomAD no frequency). This variant has not been reported in the literature in individuals affected with SLC9A6-related conditions. Algorithms developed to predict the effect of missense changes on protein structure and function are either unavailable or do not agree on the potential impact of this missense change (SIFT: "Tolerated"; PolyPhen-2: "Possibly Damaging"; Align-GVGD: "Class C0"). In summary, the available evidence is currently insufficient to determine the role of this variant in disease. Therefore, it has been classified as a Variant of Uncertain Significance.

NM_001379110.1(SLC9A6):c.932G>A (p.Gly311Asp)

Gene: SLC9A6 (solute carrier family 9 member A6; plus strand). Cytogenetic location: Xq26.3.
Variant type: single nucleotide variant.
Coding change: c.932G>A on transcript NM_001379110.1 (MANE Select); coding-DNA position 932, G replaced by A.
Protein change: p.Gly311Asp; replaces glycine 311 with aspartic acid.
Molecular consequence: missense variant.
Genome position (GRCh38, 1-based): chrX:136,012,995, G>A. VCF-style: chrX-136012995-G-A. GRCh37 (hg19) VCF-style: chrX-135095154-G-A.
Other names: c.932G>A, p.Gly311Asp (NM_001400912.1, NM_001177651.2, NM_001400909.1 and 2 more transcripts); c.836G>A, p.Gly279Asp (NM_001400913.1, NM_001330652.2); c.992G>A, p.Gly331Asp (NM_006359.3); c.1088G>A, p.Gly363Asp (NM_001042537.2); short protein forms G363D, G279D, G311D, G331D.
Identifiers: ClinVar variation 2106737 (VCV002106737.4), dbSNP rs2521309493, ClinGen allele CA414751661.